The following is an entry in ClinVar:

ClinVar aggregate classification (germline): Uncertain significance (1 of 4 stars; one submission).

Conditions:
Severe combined immunodeficiency, autosomal recessive, T cell-negative, B cell-negative, NK cell-positive. Also called: Severe combined immunodeficiency due to complete RAG1/2 deficiency; SCID, T CELL-NEGATIVE, B CELL-NEGATIVE, NK CELL-POSITIVE; SCID, AR, T-cell negative, B-cell negative, NK cell-positive. Identifiers: Orphanet 331206, MedGen C1832322, MONDO:0011086, OMIM 601457.
Combined immunodeficiency with skin granulomas. Identifiers: Orphanet 157949, MedGen C2673536, MONDO:0009306, OMIM 233650.

Allele frequency attached by ClinVar (database versions not stated): ExAC 0.00001; TOPMed 0.00001.

Submission:

Labcorp Genetics (formerly Invitae), Labcorp
Classification: Uncertain significance for Combined immunodeficiency with skin granulomas; Severe combined immunodeficiency, autosomal recessive, T cell-negative, B cell-negative, NK cell-positive. Last evaluated: 2022-07-15. Review status: criteria provided, single submitter. Criteria: Invitae Variant Classification Sherloc (09022015). Collection method: clinical testing. Allele origin: germline.
Comment: This sequence change replaces valine, which is neutral and non-polar, with methionine, which is neutral and non-polar, at codon 482 of the RAG2 protein (p.Val482Met). This variant is present in population databases (rs764210172, gnomAD 0.003%). This variant has not been reported in the literature in individuals affected with RAG2-related conditions. Algorithms developed to predict the effect of missense changes on protein structure and function are either unavailable or do not agree on the potential impact of this missense change (SIFT: "Deleterious"; PolyPhen-2: "Possibly Damaging"; Align-GVGD: "Class C0"). In summary, the available evidence is currently insufficient to determine the role of this variant in disease. Therefore, it has been classified as a Variant of Uncertain Significance.

NM_000536.4(RAG2):c.1444G>A (p.Val482Met)

Gene: RAG2 (recombination activating 2; minus strand). Cytogenetic location: 11p12.
Variant type: single nucleotide variant.
Coding change: c.1444G>A on transcript NM_000536.4 (MANE Select); coding-DNA position 1444, G replaced by A.
Protein change: p.Val482Met; replaces valine 482 with methionine.
Molecular consequence: missense variant.
Genome position (GRCh38, 1-based): chr11:36,592,725, C>T on the plus strand (G>A on the coding strand, the complement: RAG2 is on the minus strand). VCF-style: chr11-36592725-C-T. GRCh37 (hg19) VCF-style: chr11-36614275-C-T.
Other names: c.1444G>A, p.Val482Met (NM_001243785.2, NM_001243786.2); short protein forms V482M.
Identifiers: ClinVar variation 2419989 (VCV002419989.3), dbSNP rs764210172, ClinGen allele CA5950413.
Genomic context (GRCh38, chr11:36,592,725, plus strand): 5'-TTGGAGGCTTTTTTAAGGGTAGGACTCTTTGGGGAGTGTGTAGAGCTCTTGCTATCTCCA[C>T]ATGCTCATTGCAGTAATACTTGTTGCTTCCTGCTGACAGATGGATGAGTGTGCGTTCTGC-3'
Protein context (NP_000527.2, residues 472-492): GSNKYYCNEH[Val482Met]EIARALHTPQ